The following is an entry in ClinVar:

NM_173660.5(DOK7):c.1346C>T (p.Thr449Met)

Gene: DOK7 (docking protein 7; plus strand). Cytogenetic location: 4p16.3.
Variant type: single nucleotide variant.
Coding change: c.1346C>T on transcript NM_173660.5 (MANE Select); coding-DNA position 1346, C replaced by T.
Protein change: p.Thr449Met; replaces threonine 449 with methionine.
Molecular consequence: missense variant. On other transcripts: 3 prime UTR variant (1).
Genome position (GRCh38, 1-based): chr4:3,493,332, C>T. VCF-style: chr4-3493332-C-T. GRCh37 (hg19) VCF-style: chr4-3495059-C-T.
Other names: c.*567C>T (NM_001164673.2); c.416C>T, p.Thr139Met (NM_001256896.2); c.1346C>T, p.Thr449Met (NM_001301071.2); c.914C>T, p.Thr305Met (NM_001363811.2); short protein forms T449M, T305M, T139M.
Identifiers: ClinVar variation 465676 (VCV000465676.12), dbSNP rs373864257, ClinGen allele CA2829476.
Genomic context (GRCh38, chr4:3,493,332, plus strand): 5'-GTGCGGCCAGGGACTCAGGCGGCCAGACGTCCGCCGGGTGTCCCTCTGGCTGGCTGGGCA[C>T]GAGACGGCGGGGCCTGGTGATGGAGGCCCCCCAGGGCAGCGAGGCCACACTGCCTGGCCC-3'
Protein context (NP_775931.3, residues 439-459): SAGCPSGWLG[Thr449Met]RRRGLVMEAP

ClinVar aggregate classification (germline): Conflicting classifications of pathogenicity. Review status: criteria provided, conflicting classifications (1 of 4 stars). 2 submissions from 2 submitters: Uncertain significance (1); Likely benign (1). Last evaluated 2024-10-18.

Conditions:
Fetal akinesia deformation sequence 1 (FADS1). Also called: Fetal akinesia sequence; Pena-Shokeir syndrome type I. Identifiers: Orphanet 994, MedGen C1276035, MONDO:0100101, OMIM 208150, HP:0001989.
Congenital myasthenic syndrome 10. Also called: Myasthenia, limb-girdle, familial. Identifiers: Orphanet 590, MedGen C1850792, MONDO:0009690, OMIM 254300.

Allele frequency attached by ClinVar (database versions not stated): gnomAD exomes 0.00008 and 0.00010; gnomAD 0.00011 and 0.00013; TOPMed 0.00017; ESP Exome Variant Server 0.00024; 1000 Genomes Project 0.00040; 1000 Genomes Project 30x 0.00047.

Submissions (2):

Labcorp Genetics (formerly Invitae), Labcorp
Classification: Uncertain significance for Congenital myasthenic syndrome 10; Fetal akinesia deformation sequence 1. Last evaluated: 2024-10-18. Review status: criteria provided, single submitter. Criteria: Invitae Variant Classification Sherloc (09022015). Collection method: clinical testing. Allele origin: germline.
Comment: This sequence change replaces threonine, which is neutral and polar, with methionine, which is neutral and non-polar, at codon 449 of the DOK7 protein (p.Thr449Met). This variant is present in population databases (rs373864257, gnomAD 0.03%). This variant has not been reported in the literature in individuals affected with DOK7-related conditions. ClinVar contains an entry for this variant (Variation ID: 465676). Invitae Evidence Modeling of protein sequence and biophysical properties (such as structural, functional, and spatial information, amino acid conservation, physicochemical variation, residue mobility, and thermodynamic stability) indicates that this missense variant is not expected to disrupt DOK7 protein function with a negative predictive value of 80%. In summary, the available evidence is currently insufficient to determine the role of this variant in disease. Therefore, it has been classified as a Variant of Uncertain Significance.

GeneDx
Classification: Likely benign. Last evaluated: 2020-12-31. Review status: criteria provided, single submitter. Criteria: GeneDx Variant Classification Process June 2021. Collection method: clinical testing. Allele origin: germline. Affected: yes.